The following is an entry in ClinVar:

ClinVar aggregate classification (germline): Uncertain significance (1 of 4 stars; one submission).

Conditions:
Hyperekplexia 2 (HKPX2). Identifiers: Orphanet 3197, MedGen C3553291, MONDO:0013828, OMIM 614619.

Allele frequency attached by ClinVar (database versions not stated): ExAC 0.00001; TOPMed 0.00001; gnomAD 0.00002.
gnomAD v4.1: 16 of 1,610,548 alleles (0.00099%); highest among the groups gnomAD compares: Non-Finnish European, 0.0014%; no homozygotes.

Submissions (2):

Labcorp Genetics (formerly Invitae), Labcorp
Classification: Uncertain significance for Hyperekplexia 2. Last evaluated: 2022-05-28. Review status: criteria provided, single submitter. Criteria: Invitae Variant Classification Sherloc (09022015). Collection method: clinical testing. Allele origin: germline.
Comment: This variant is present in population databases (rs777881883, gnomAD 0.003%). In summary, the available evidence is currently insufficient to determine the role of this variant in disease. Therefore, it has been classified as a Variant of Uncertain Significance. Advanced modeling of protein sequence and biophysical properties (such as structural, functional, and spatial information, amino acid conservation, physicochemical variation, residue mobility, and thermodynamic stability) performed at Invitae indicates that this missense variant is not expected to disrupt GLRB protein function. This variant has not been reported in the literature in individuals affected with GLRB-related conditions. This sequence change replaces phenylalanine, which is neutral and non-polar, with tyrosine, which is neutral and polar, at codon 3 of the GLRB protein (p.Phe3Tyr).

Dr. Peter K. Rogan Lab, Western University
No classification provided (evidence only). Condition: Thyroid cancer, nonmedullary, 1. Review status: no classification provided. Collection method: in vitro. Allele origin: not applicable. Functional consequence: retained intron. Not counted in ClinVar's aggregate classification.

NM_000824.5(GLRB):c.8T>A (p.Phe3Tyr)

Gene: GLRB (glycine receptor beta; plus strand). Cytogenetic location: 4q32.1.
Variant type: single nucleotide variant.
Coding change: c.8T>A on transcript NM_000824.5 (MANE Select); coding-DNA position 8, T replaced by A.
Protein change: p.Phe3Tyr; replaces phenylalanine 3 with tyrosine.
Molecular consequence: missense variant.
Genome position (GRCh38, 1-based): chr4:157,078,032, T>A. VCF-style: chr4-157078032-T-A. GRCh37 (hg19) VCF-style: chr4-157999184-T-A.
Other names: c.8T>A, p.Phe3Tyr (NM_001166060.2, NM_001166061.2); short protein forms F3Y.
Identifiers: ClinVar variation 2163953 (VCV002163953.5), dbSNP rs777881883, ClinGen allele CA3119636.